The following is an entry in ClinVar:

NM_000388.4(CASR):c.2065G>A (p.Val689Met)

Gene: CASR (calcium sensing receptor; plus strand). Cytogenetic location: 3q21.1.
Variant type: single nucleotide variant.
Coding change: c.2065G>A on transcript NM_000388.4 (MANE Select); coding-DNA position 2065, G replaced by A.
Protein change: p.Val689Met; replaces valine 689 with methionine.
Molecular consequence: missense variant.
Genome position (GRCh38, 1-based): chr3:122,284,019, G>A. VCF-style: chr3-122284019-G-A. GRCh37 (hg19) VCF-style: chr3-122002866-G-A.
Other names: c.2095G>A, p.Val699Met (NM_001178065.2); short protein forms V689M, V699M.
Identifiers: ClinVar variation 1698608 (VCV001698608.11), dbSNP rs2107649885, ClinGen allele CA354158415.

ClinVar aggregate classification (germline): Pathogenic/Likely pathogenic. Review status: criteria provided, multiple submitters, no conflicts (2 of 4 stars). 5 submissions from 5 submitters: Pathogenic (3); Likely pathogenic (2). Last evaluated 2025-11-11.

Conditions:
Familial hypocalciuric hypercalcemia (FHH). Also called: Familial benign hypercalcemia. Identifiers: Orphanet 405, MedGen C1809471, MONDO:0018458.
Neonatal severe primary hyperparathyroidism. Identifiers: Orphanet 417, MedGen C1832615, MONDO:0009397, OMIM 239200.
Epilepsy, idiopathic generalized, susceptibility to, 8. Identifiers: MedGen C2752062, MONDO:0013032, OMIM 612899.
Familial hypocalciuric hypercalcemia 1. Also called: Hypercalcemia, familial benign type 1. Identifiers: Orphanet 405, Orphanet 93372, MedGen C0342637, MONDO:0007791, OMIM 145980.
Autosomal dominant hypocalcemia 1 (HYPOC1). Also called: HYPOCALCEMIA, FAMILIAL. Identifiers: MedGen C3715128, MONDO:0011013, OMIM 601198.
CASR-related disorder. Also called: CASR-related condition.

Allele frequency attached by ClinVar (database versions not stated): gnomAD exomes below 0.00001.
gnomAD v4.1: 5 of 1,614,050 alleles (0.00031%); highest among the groups gnomAD compares: Non-Finnish European, 0.00042%; no homozygotes.

Submissions (5):

Labcorp Genetics (formerly Invitae), Labcorp
Classification: Likely pathogenic for Familial hypocalciuric hypercalcemia; Autosomal dominant hypocalcemia 1. Last evaluated: 2025-11-11. Review status: criteria provided, single submitter. Criteria: Invitae Variant Classification Sherloc (09022015). Collection method: clinical testing. Allele origin: germline.
Comment: This sequence change replaces valine, which is neutral and non-polar, with methionine, which is neutral and non-polar, at codon 689 of the CASR protein (p.Val689Met). This variant is not present in population databases (gnomAD no frequency). This missense change has been observed in individuals with familial hyperparathyroidism, hypocalciuric hypercalcaemia (PMID: 14985373, 32430905, 32843465). This variant is also known as c.2095G>A (p.Val699Met). ClinVar contains an entry for this variant (Variation ID: 1698608). An algorithm developed to predict the effect of missense changes on protein structure and function (PolyPhen-2) suggests that this variant is likely to be disruptive. Experimental studies have shown that this missense change affects CASR function (PMID: 19389809). In summary, the currently available evidence indicates that the variant is pathogenic, but additional data are needed to prove that conclusively. Therefore, this variant has been classified as Likely Pathogenic.

Athena Diagnostics
Classification: Likely pathogenic. Last evaluated: 2024-12-05. Review status: criteria provided, single submitter. Criteria: Athena Diagnostics Criteria. Collection method: clinical testing. Allele origin: unknown.
Comment: This variant has not been reported in large, multi-ethnic general populations. This variant appears to be associated with disease in at least one family. Assessment of experimental evidence regarding the effect of this variant on protein function is inconclusive (PMID: 19389809).

Fulgent Genetics
Classification: Pathogenic for Familial hypocalciuric hypercalcemia 1; Neonatal severe primary hyperparathyroidism; Autosomal dominant hypocalcemia 1; Epilepsy, idiopathic generalized, susceptibility to, 8. Last evaluated: 2024-04-16. Review status: criteria provided, single submitter. Criteria: ACMG Guidelines, 2015. Collection method: clinical testing. Allele origin: germline.

Women's Health and Genetics/Laboratory Corporation of America, LabCorp
Classification: Pathogenic for Familial hypocalciuric hypercalcemia. Last evaluated: 2024-04-16. Review status: criteria provided, single submitter. Criteria: LabCorp Variant Classification Summary - May 2015. Collection method: clinical testing. Allele origin: germline.
Comment: Variant summary: CASR c.2065G>A (p.Val689Met) results in a conservative amino acid change located in the GPCR family 3, C-terminal domain (IPR017978) of the encoded protein sequence. Four of five in-silico tools predict a damaging effect of the variant on protein function. The variant was absent in 251400 control chromosomes. c.2065G>A has been reported in the literature in multiple individuals affected with Familial Hypocalciuric Hypercalcemia (e.g. Warner_2004, Mariathasan_2020, Sharma_2020). These data indicate that the variant is very likely to be associated with disease. Functional in vitro analysis using transfected HEK293 cells demonstrated that the variant had approximately 50% ERK 1/2 phosphorylation activity (White_2009). The following publications have been ascertained in the context of this evaluation (PMID: 32430905, 32843465, 14985373, 19389809). ClinVar contains an entry for this variant (Variation ID: 1698608). Based on the evidence outlined above, the variant was classified as pathogenic.

Blueprint Genetics
Classification: Pathogenic for CASR-related disorders. Last evaluated: 2023-06-22. Review status: criteria provided, single submitter. Criteria: ACMG Guidelines, 2015. Collection method: clinical testing. Allele origin: germline. Affected: yes. Observed: 1 variant allele.

Literature cited by the submitters: PubMed 14985373 (cited by 3 submitters); PubMed 32430905 (cited by 3 submitters); PubMed 32843465 (cited by 3 submitters); PubMed 19389809 (cited by 3 submitters).